The following is an entry in ClinVar:

ClinVar aggregate classification (germline): Pathogenic. Review status: criteria provided, multiple submitters, no conflicts (2 of 4 stars). 17 submissions from 17 submitters: Pathogenic (13). 4 of the submissions do not count toward it. Last evaluated 2026-04-20.

Conditions:
TCOF1-related disorder. Also called: TCOF1-related condition.
Inborn genetic diseases. Identifiers: MedGen C0950123, MeSH D030342.
Treacher Collins syndrome 1 (TCS1). Also called: TCOF1-Related Treacher Collins Syndrome. Identifiers: Orphanet 861, MedGen CN315775, MONDO:0007944, OMIM 154500.
Treacher Collins syndrome. Also called: TREACHER COLLINS-FRANCESCHETTI SYNDROME. Identifiers: Orphanet 861, MedGen C0242387, MONDO:0002457.

Submissions (17):

PreventionGenetics, part of Exact Sciences
Classification: Pathogenic for TCOF1-related condition. Last evaluated: 2026-04-20. Review status: criteria provided, single submitter. Criteria: ACMG Guidelines, 2015. Collection method: clinical testing. Allele origin: germline.
Comment: The TCOF1 c.4369_4373del5 variant is predicted to result in a frameshift and premature protein termination (p.Lys1457Glufs*12). This variant has been previously reported, in the heterozygous state and as causative for Treacher Collins Syndrome (see, for example, Masotti et al. 2009. PubMed ID: 20003452, referred to as c.4366_4370delGAAAA; Bowman et al. 2012. PubMed ID: 22317976; Giabicani et al. 2017. PubMed ID: 28927774; Pan et al. 2021. PubMed ID: 33332773). This variant is reported in 0.0062% of alleles in individuals of African descent in gnomAD. Frameshift variants in TCOF1 are expected to be pathogenic. This variant is interpreted as pathogenic.

Dasa
Classification: Pathogenic. Last evaluated: 2026-01-16. Review status: criteria provided, single submitter. Criteria: DASA Assertion Criteria. Collection method: clinical testing. Allele origin: germline.
Comment: NM_001371623.1(TCOF1):c.4372_4376del (p.Lys1458GlufsTer12) is a frameshift variant in TCOF1 predicted to alter the reading frame and introduce a premature termination codon and is predicted to result in an absent or altered protein product. Loss of function is an established disease mechanism for TCOF1 (PMID: 9042910; PMID: 12114482; PMID: 15340364). This variant has been reported in individuals with TCOF1-related disorders (PMID: 11013442). Segregation data support an association with disease in the reported family/families (PMID: 11013442). Also, this variant is rare in population databases. Based on the currently available evidence, this variant is classified as pathogenic.

Clinical Genomics Laboratory, Washington University in St. Louis
Classification: Pathogenic for Treacher Collins syndrome 1. Last evaluated: 2025-11-10. Review status: criteria provided, single submitter. Criteria: ACMG Guidelines, 2015. Collection method: clinical testing. Allele origin: germline. Affected: yes.
Comment: The TCOF1 c.4372_4376del (p.Lys1458Glufs*12), also published as NM_000356.4 c.4138_4142del (p.Lys1380fs), variant has been reported in multiple individuals affected with Treacher Collins syndrome and is reported to segregate with disease in four individuals from an affected family (Antal G et al., PMID: 39518953; Edwards SJ et al., PMID: 9042910; Kantaputra PN et al., PMID: 32351010; Masotti C et al., PMID: 20003452; Splendore A et al., PMID 11013442). This variant has been reported in the ClinVar database as a germline pathogenic variant by 11 submitters. This variant is only observed in 1/248,180 alleles in the general population (gnomAD v.2.1.1), indicating it is not a common variant. This variant causes a frameshift by deleting five nucleotides, leading to a premature termination codon. However, because this occurs in the penultimate exon, it is not predicted to lead to nonsense-mediated decay. Based on available information and the ACMG/AMP guidelines for variant interpretation (Richards S et al., PMID: 25741868), this variant is classified as pathogenic.

Ambry Genetics
Classification: Pathogenic for Inborn genetic diseases. Last evaluated: 2025-10-15. Review status: criteria provided, single submitter. Criteria: Ambry Variant Classification Scheme 2023. Collection method: clinical testing. Allele origin: germline.
Comment: The c.4369_4373delAAGAA (p.K1457Efs*12) alteration, located in exon 25 (coding exon 25) of the TCOF1 gene, consists of a deletion of 5 nucleotides from position 4369 to 4373, causing a translational frameshift with a predicted alternate stop codon after 12 amino acids. This alteration is expected to result in loss of function by premature protein truncation or nonsense-mediated mRNA decay. Based on data from gnomAD, this allele has an overall frequency of <0.001% (1/248180) total alleles studied. The highest observed frequency was 0.006% (1/16178) of African alleles. This variant was reported in individual(s) with features consistent with TCOF1-related Treacher-Collins syndrome; in at least one individual, it was determined to be de novo or the result of germline mosaicism (Vincent, 2016; Kantaputra, 2020; Pan, 2020; Fan, 2024). Based on the available evidence, this alteration is classified as pathogenic.

Labcorp Genetics (formerly Invitae), Labcorp
Classification: Pathogenic for Treacher Collins syndrome 1. Last evaluated: 2025-08-19. Review status: criteria provided, single submitter. Criteria: Invitae Variant Classification Sherloc (09022015). Collection method: clinical testing. Allele origin: germline.
Comment: This sequence change creates a premature translational stop signal (p.Lys1457Glufs*12) in the TCOF1 gene. It is expected to result in an absent or disrupted protein product. Loss-of-function variants in TCOF1 are known to be pathogenic (PMID: 8894686, 22317976). The frequency data for this variant in the population databases is considered unreliable, as metrics indicate poor data quality at this position in the gnomAD database. This premature translational stop signal has been observed in individual(s) with Treacher Collins syndrome (PMID: 9042910, 11013442, 20003452, 21951868, 22317976). This variant is also known as nt4135 del(GAAAA) and c.4366_4370delGAAAA. For these reasons, this variant has been classified as Pathogenic.

Institute of Human Genetics, University of Leipzig Medical Center
Classification: Pathogenic for Treacher Collins syndrome 1. Last evaluated: 2025-07-21. Review status: criteria provided, single submitter. Criteria: ACMG Guidelines, 2015. Collection method: clinical testing. Allele origin: unknown. Inheritance: Autosomal dominant inheritance. Affected: yes.
Comment: Criteria applied: PVS1_STR,PS4,PS2_SUP,PM2_SUP

Blueprint Genetics
Classification: Pathogenic for TCOF1-related disorders. Last evaluated: 2024-06-14. Review status: criteria provided, single submitter. Criteria: ACMG Guidelines, 2015. Collection method: clinical testing. Allele origin: germline. Affected: yes. Observed: 4 variant alleles.

GeneDx
Classification: Pathogenic. Last evaluated: 2023-10-16. Review status: criteria provided, single submitter. Criteria: GeneDx Variant Classification Process June 2021. Collection method: clinical testing. Allele origin: germline. Affected: yes.
Comment: Frameshift variant in the C-terminus predicted to result in protein truncation, as the last 32 amino acids are lost and replaced with 11 incorrect amino acids (HGMD); This variant is associated with the following publications: (PMID: 28927774, 9042910, 27895973, 21951868, 11013442, 29230583, 20003452, 22317976, 31107123, 32351010, 30577886, 32909271, 33105617, 33332773, 34397304, 34714179, 37640998)

3billion
Classification: Pathogenic for Treacher Collins syndrome 1. Last evaluated: 2022-09-01. Review status: criteria provided, single submitter. Criteria: ACMG Guidelines, 2015. Collection method: clinical testing. Allele origin: germline. Affected: yes. Observed: 1 heterozygote.
Comment: The variant is observed at an extremely low frequency in the gnomAD v2.1.1 dataset (total allele frequency: <0.001%). Frameshift variant is predicted to result in a loss or disruption of normal protein function through nonsense-mediated decay (NMD) or protein truncation. Multiple pathogenic variants are reported downstream of the variant. The variant has been reported at least twice as pathogenic with clinical assertions and evidence for the classification (ClinVar ID: VCV000003963 / PMID: 9042910). Therefore, this variant is classified as Pathogenic according to the recommendation of ACMG/AMP guideline.

Johns Hopkins Genomics, Johns Hopkins University
Classification: Pathogenic for Treacher Collins syndrome 1. Last evaluated: 2019-07-31. Review status: criteria provided, single submitter. Criteria: ACMG Guidelines, 2015. Collection method: clinical testing. Allele origin: germline.

CeGaT Center for Human Genetics Tuebingen
Classification: Pathogenic. Last evaluated: 2018-06-01. Review status: criteria provided, single submitter. Criteria: CeGaT Center For Human Genetics Tuebingen Variant Classification Criteria Version 2. Collection method: clinical testing. Allele origin: germline. Affected: yes. Observed: 1 variant allele.

Genetic Services Laboratory, University of Chicago
Classification: Pathogenic for Treacher Collins syndrome 1. Last evaluated: 2017-02-16. Review status: criteria provided, single submitter. Criteria: ACMG Guidelines, 2015. Collection method: clinical testing. Allele origin: germline. Affected: yes.

Juno Genomics, Hangzhou Juno Genomics, Inc
Classification: Pathogenic for Treacher Collins syndrome 1. Review status: criteria provided, single submitter. Criteria: ACMG Guidelines, 2015. Collection method: clinical testing. Allele origin: germline. Affected: yes.
Comment: Absent from controls (or at extremely low frequency if recessive) in Genome Aggregation Database.;Null variant in a gene where loss of function (LOF) is a known mechanism of disease.;The prevalence of the variant in affected individuals is significantly increased compared to the prevalence in controls.;De novo (both maternity and paternity confirmed) in a patient with the disease and no family history.;Patient's phenotype or family history is highly specific for a disease with a single genetic etiology.;Co-segregation with disease in multiple affected family members.

Autoinflammatory diseases unit, CHU de Montpellier
Classification: Pathogenic for Treacher Collins syndrome 1. Last evaluated: 2016-04-14. Review status: no assertion criteria provided. Collection method: clinical testing. Allele origin: de novo. Affected: yes. Observed: 2 variant alleles. Not counted in ClinVar's aggregate classification.

OMIM
Classification: Pathogenic for TREACHER COLLINS SYNDROME 1. Last evaluated: 2000-10-01. Review status: no assertion criteria provided. Collection method: literature only. Allele origin: germline. Not counted in ClinVar's aggregate classification.

Division of Human Genetics, National Health Laboratory Service/University of the Witwatersrand
Classification: Pathogenic for Treacher Collins syndrome 1. Review status: no assertion criteria provided. Collection method: research. Allele origin: unknown. Affected: yes. Observed: 1 variant allele. Not counted in ClinVar's aggregate classification.

GeneReviews
No classification provided. Condition: Treacher Collins syndrome. Review status: no classification provided. Collection method: literature only. Allele origin: germline. Not counted in ClinVar's aggregate classification.

Literature cited by the submitters: PubMed 9042910 (cited by 4 submitters); PubMed 11013442 (cited by 3 submitters); PubMed 20003452 (cited by Dasa and Labcorp Genetics (formerly Invitae), Labcorp); PubMed 21951868 (cited by Dasa and Labcorp Genetics (formerly Invitae), Labcorp); PubMed 22317976 (cited by Dasa and Labcorp Genetics (formerly Invitae), Labcorp); PubMed 12114482 (cited by Dasa); PubMed 15340364 (cited by Dasa); PubMed 25790162 (cited by Ambry Genetics); PubMed 32351010 (cited by Ambry Genetics); PubMed 33332773 (cited by Ambry Genetics); PubMed 38629201 (cited by Ambry Genetics); PubMed 8894686 (cited by Labcorp Genetics (formerly Invitae), Labcorp).

NM_001371623.1(TCOF1):c.4372_4376del (p.Lys1458fs)

Gene: TCOF1 (treacle ribosome biogenesis factor 1; plus strand). Cytogenetic location: 5q32.
Variant type: Microsatellite.
Coding change: c.4372_4376del on transcript NM_001371623.1 (MANE Select); coding-DNA positions 4372 to 4376, 5 bases deleted (AAGAA; older notation c.4372_4376delAAGAA).
Protein change: p.Lys1458fs; shifts the reading frame from lysine 1458.
Molecular consequence: frameshift variant.
Genome position (GRCh38, 1-based): chr5:150,398,380-150,398,384, AAGAA deleted; deleting any 5 consecutive bases within chr5:150,398,373-150,398,384 gives the same sequence; the c. name uses the placement nearest the transcript's 3' end. VCF-style (leftmost placement, unchanged base first): chr5-150398372-AAAAAG-A. GRCh37 (hg19) VCF-style: chr5-149777935-AAAAAG-A.
Other names: c.4141_4145del, p.Lys1381fs (NM_001135245.2); c.4255_4259del, p.Lys1419fs (NM_001195141.2); c.4138_4142del, p.Lys1380fs (NM_000356.4); c.4369_4373del, p.Lys1457fs (NM_001135243.2); c.4258_4262del, p.Lys1420fs (NM_001135244.2); c.4369_4373delAAGAA (NM_001135243.1); c.4369_4373del5 (NM_001135243.1); short protein forms K1381fs, K1380fs, K1457fs, K1419fs, K1420fs, K1458fs.
Identifiers: ClinVar variation 3963 (VCV000003963.72), dbSNP rs587776582, ClinGen allele CA252942.